The following is an entry in ClinVar:

ClinVar aggregate classification (germline): Likely benign (1 of 4 stars; one submission).

Allele frequency attached by ClinVar (database versions not stated): TOPMed 0.00001; gnomAD 0.00001.
gnomAD v4.1: 4 of 1,523,408 alleles (0.00026%); highest among the groups gnomAD compares: South Asian, 0.0012%; no homozygotes.

Submission:

GeneDx
Classification: Likely benign. Last evaluated: 2018-03-23. Review status: criteria provided, single submitter. Criteria: GeneDx Variant Classification (06012015). Collection method: clinical testing. Allele origin: germline. Affected: yes.
Comment: This variant is considered likely benign or benign based on one or more of the following criteria: it is a conservative change, it occurs at a poorly conserved position in the protein, it is predicted to be benign by multiple in silico algorithms, and/or has population frequency not consistent with disease.

NM_133259.4(LRPPRC):c.-33G>A

Gene: LRPPRC (leucine rich pentatricopeptide repeat containing; minus strand). Cytogenetic location: 2p21.
Variant type: single nucleotide variant.
Coding change: c.-33G>A on transcript NM_133259.4 (MANE Select); 33 bases upstream of the start codon, G replaced by A.
Molecular consequence: 5 prime UTR variant.
Genome position (GRCh38, 1-based): chr2:43,995,980, C>T on the plus strand (G>A on the coding strand, the complement: LRPPRC is on the minus strand). VCF-style: chr2-43995980-C-T. GRCh37 (hg19) VCF-style: chr2-44223119-C-T.
Identifiers: ClinVar variation 680359 (VCV000680359.1), dbSNP rs1162042995, ClinGen allele CA532703382.